The following is an entry in ClinVar:

ClinVar aggregate classification (germline): Uncertain significance. Review status: criteria provided, multiple submitters, no conflicts (2 of 4 stars). 2 submissions from 2 submitters: Uncertain significance (2). Last evaluated 2025-12-01.

Conditions:
Fish-eye disease (FED). Also called: ALPHA-LCAT DEFICIENCY; DYSLIPOPROTEINEMIC CORNEAL DYSTROPHY; LCATA DEFICIENCY. Identifiers: Orphanet 650, Orphanet 79292, MedGen C0342895, MONDO:0007620, OMIM 136120.
Norum disease. Also called: Familial lecithin cholesterol acyltransferase deficiency. Identifiers: Orphanet 79293, MedGen C0023195, MONDO:0009515, OMIM 245900.
Cardiovascular phenotype. Identifiers: MedGen CN230736.

Allele frequency attached by ClinVar (database versions not stated): gnomAD 0.00001; gnomAD exomes 0.00001; TOPMed 0.00001.
gnomAD v4.1: 9 of 1,546,268 alleles (0.00058%); highest among the groups gnomAD compares: African/African-American, 0.0041%; no homozygotes.

Submissions (2):

Ambry Genetics
Classification: Uncertain significance for Cardiovascular phenotype. Last evaluated: 2025-12-01. Review status: criteria provided, single submitter. Criteria: Ambry Variant Classification Scheme 2023. Collection method: clinical testing. Allele origin: germline.
Comment: The p.V49I variant (also known as c.145G>A), located in coding exon 1 of the LCAT gene, results from a G to A substitution at nucleotide position 145. The valine at codon 49 is replaced by isoleucine, an amino acid with highly similar properties. This amino acid position is conserved. In addition, the in silico prediction for this alteration is inconclusive. Since supporting evidence is limited at this time, the clinical significance of this alteration remains unclear.

Fulgent Genetics
Classification: Uncertain significance for Fish-eye disease; Norum disease. Last evaluated: 2024-05-28. Review status: criteria provided, single submitter. Criteria: ACMG Guidelines, 2015. Collection method: clinical testing. Allele origin: germline.

NM_000229.2(LCAT):c.145G>A (p.Val49Ile)

Genes: LCAT (lecithin-cholesterol acyltransferase; minus strand), SLC12A4 (solute carrier family 12 member 4; minus strand). Cytogenetic location: 16q22.1.
Variant type: single nucleotide variant.
Coding change: c.145G>A on transcript NM_000229.2 (MANE Select); coding-DNA position 145, G replaced by A.
Protein change: p.Val49Ile; replaces valine 49 with isoleucine.
Molecular consequence: missense variant. On other transcripts: 3 prime UTR variant (5).
Genome position (GRCh38, 1-based): chr16:67,943,957, C>T on the plus strand (G>A on the coding strand, the complement: LCAT is on the minus strand). VCF-style: chr16-67943957-C-T. GRCh37 (hg19) VCF-style: chr16-67977860-C-T.
Other names: c.*883G>A (NM_001145961.2, NM_001145962.1, NM_001145963.2 and 2 more transcripts); short protein forms V49I.
Identifiers: ClinVar variation 3230699 (VCV003230699.3), dbSNP rs1417533036, ClinGen allele CA396382465.